The following is an entry in ClinVar:

ClinVar aggregate classification (germline): Uncertain significance (1 of 4 stars; one submission).

gnomAD v4.1: 2 of 1,570,656 alleles (0.00013%); highest among the groups gnomAD compares: South Asian, 0.0012%; no homozygotes.

Submission:

GeneDx
Classification: Uncertain significance. Last evaluated: 2026-04-23. Review status: criteria provided, single submitter. Criteria: GeneDx Variant Classification Process June 2021. Collection method: clinical testing. Allele origin: germline.
Comment: Not observed at significant frequency in large population cohorts (gnomAD); In silico analysis supports that this missense variant has a deleterious effect on protein structure/function; Has not been previously published as pathogenic or benign to our knowledge

NM_001145809.2(MYH14):c.241G>A (p.Glu81Lys)

Gene: MYH14 (myosin heavy chain 14; plus strand). Cytogenetic location: 19q13.33.
Variant type: single nucleotide variant.
Coding change: c.241G>A on transcript NM_001145809.2 (MANE Select); coding-DNA position 241, G replaced by A.
Protein change: p.Glu81Lys; replaces glutamic acid 81 with lysine.
Molecular consequence: missense variant.
Genome position (GRCh38, 1-based): chr19:50,210,606, G>A. VCF-style: chr19-50210606-G-A. GRCh37 (hg19) VCF-style: chr19-50713863-G-A.
Other names: c.241G>A, p.Glu81Lys (NM_001077186.2, NM_024729.4); short protein forms E81K.
Identifiers: ClinVar variation 5037493 (VCV005037493.1).
Genomic context (GRCh38, chr19:50,210,606, plus strand): 5'-GAGCTTCACGGGTTCGAGGCGGCGGCGCTGCGGGACGAAGGCGAGGAGGAGGCGGAGGTG[G>A]AGCTGGCGGAGAGCGGGAGGCGGCTGCGACTGCCGCGGGACCAGATCCAGCGCATGAACC-3'
Protein context (NP_001139281.1, residues 71-91): RDEGEEEAEV[Glu81Lys]LAESGRRLRL